The following is an entry in ClinVar:

NM_001205293.3(CACNA1E):c.501G>C (p.Val167=)

Gene: CACNA1E (calcium voltage-gated channel subunit alpha1 E; plus strand). Cytogenetic location: 1q25.3.
Variant type: single nucleotide variant.
Coding change: c.501G>C on transcript NM_001205293.3 (MANE Select); coding-DNA position 501, G replaced by C.
Protein change: p.Val167=; no amino-acid change (valine 167 retained).
Molecular consequence: synonymous variant.
Genome position (GRCh38, 1-based): chr1:181,511,499, G>C. VCF-style: chr1-181511499-G-C. GRCh37 (hg19) VCF-style: chr1-181480635-G-C.
Other names: c.501G>C, p.Val167= (NM_000721.4, NM_001205294.2).
Identifiers: ClinVar variation 1302856 (VCV001302856.13), dbSNP rs3856089, ClinGen allele CA1274904.

ClinVar aggregate classification (germline): Benign/Likely benign. Review status: criteria provided, multiple submitters, no conflicts (2 of 4 stars). 5 submissions from 5 submitters: Benign (3); Likely benign (1). 1 of the submissions does not count toward it. Last evaluated 2026-01-13.

Conditions:
CACNA1E-related disorder. Also called: CACNA1E-related condition.
Developmental and epileptic encephalopathy, 69. Also called: EPILEPTIC ENCEPHALOPATHY, EARLY INFANTILE, 69. Identifiers: MedGen C4748988, MONDO:0032657, OMIM 618285.

Allele frequency attached by ClinVar (database versions not stated): gnomAD exomes 0.00011 and 0.00030; ExAC 0.00041; 1000 Genomes Project 0.00060; 1000 Genomes Project 30x 0.00062; ESP Exome Variant Server 0.00089; gnomAD 0.00119 and 0.00131; TOPMed 0.00128.
gnomAD v4.1: 336 of 1,613,648 alleles (0.021%); highest among the groups gnomAD compares: African/African-American, 0.43%; 1 homozygote.

Submissions (5):

Labcorp Genetics (formerly Invitae), Labcorp
Classification: Benign. Last evaluated: 2026-01-13. Review status: criteria provided, single submitter. Criteria: Invitae Variant Classification Sherloc (09022015). Collection method: clinical testing. Allele origin: germline.

Blueprint Genetics
Classification: Likely benign. Last evaluated: 2024-11-26. Review status: criteria provided, single submitter. Criteria: ACMG Guidelines, 2015. Collection method: clinical testing. Allele origin: germline.

Genome-Nilou Lab
Classification: Benign for Developmental and epileptic encephalopathy, 69. Last evaluated: 2023-04-11. Review status: criteria provided, single submitter. Criteria: ACMG Guidelines, 2015. Collection method: clinical testing. Allele origin: germline. Affected: no.

GeneDx
Classification: Benign. Last evaluated: 2021-07-18. Review status: criteria provided, single submitter. Criteria: GeneDx Variant Classification Process June 2021. Collection method: clinical testing. Allele origin: germline. Affected: yes.

PreventionGenetics, part of Exact Sciences
Classification: Benign for CACNA1E-related condition. Last evaluated: 2019-06-03. Review status: no assertion criteria provided. Collection method: clinical testing. Allele origin: germline. Not counted in ClinVar's aggregate classification.
Comment: This variant is classified as benign based on ACMG/AMP sequence variant interpretation guidelines (Richards et al. 2015 PMID: 25741868, with internal and published modifications).